The following is an entry in ClinVar:

ClinVar aggregate classification (germline): Likely benign. Review status: criteria provided, multiple submitters, no conflicts (2 of 4 stars). 2 submissions from 2 submitters: Likely benign (2). Last evaluated 2025-07-16.

Allele frequency attached by ClinVar (database versions not stated): TOPMed 0.00008; gnomAD exomes 0.00009 and 0.00010; gnomAD 0.00010 and 0.00011; ExAC 0.00012; 1000 Genomes Project 30x 0.00016; 1000 Genomes Project 0.00020.
gnomAD v4.1: 146 of 1,614,096 alleles (0.009%); highest among the groups gnomAD compares: Middle Eastern, 0.033%; no homozygotes.

Submissions (2):

Labcorp Genetics (formerly Invitae), Labcorp
Classification: Likely benign. Last evaluated: 2025-07-16. Review status: criteria provided, single submitter. Criteria: Invitae Variant Classification Sherloc (09022015). Collection method: clinical testing. Allele origin: germline.

CeGaT Center for Human Genetics Tuebingen
Classification: Likely benign. Last evaluated: 2023-06-01. Review status: criteria provided, single submitter. Criteria: CeGaT Center For Human Genetics Tuebingen Variant Classification Criteria Version 2. Collection method: clinical testing. Allele origin: germline. Affected: yes. Observed: 1 variant allele.
Comment: ERBB4: BP4, BP7

NM_005235.3(ERBB4):c.3630C>T (p.Asn1210=)

Gene: ERBB4 (erb-b2 receptor tyrosine kinase 4; minus strand). Cytogenetic location: 2q34.
Variant type: single nucleotide variant.
Coding change: c.3630C>T on transcript NM_005235.3 (MANE Select); coding-DNA position 3630, C replaced by T.
Protein change: p.Asn1210=; no amino-acid change (asparagine 1210 retained).
Molecular consequence: synonymous variant.
Genome position (GRCh38, 1-based): chr2:211,383,912, G>A on the plus strand (C>T on the coding strand, the complement: ERBB4 is on the minus strand). VCF-style: chr2-211383912-G-A. GRCh37 (hg19) VCF-style: chr2-212248637-G-A.
Other names: c.3582C>T, p.Asn1194= (NM_001042599.2).
Identifiers: ClinVar variation 760722 (VCV000760722.32), dbSNP rs190892132, ClinGen allele CA2087390.